The following is an entry in ClinVar:

NM_000186.4(CFH):c.2976A>T (p.Leu992Phe)

Gene: CFH (complement factor H; plus strand). Cytogenetic location: 1q31.3.
Variant type: single nucleotide variant.
Coding change: c.2976A>T on transcript NM_000186.4 (MANE Select); coding-DNA position 2976, A replaced by T.
Protein change: p.Leu992Phe; replaces leucine 992 with phenylalanine.
Molecular consequence: missense variant.
Genome position (GRCh38, 1-based): chr1:196,741,894, A>T. VCF-style: chr1-196741894-A-T. GRCh37 (hg19) VCF-style: chr1-196711024-A-T.
Other names: short protein forms L992F.
Identifiers: ClinVar variation 1480624 (VCV001480624.6), dbSNP rs1033156499, ClinGen allele CA35812277.

ClinVar aggregate classification (germline): Uncertain significance (1 of 4 stars; one submission).

Allele frequency attached by ClinVar (database versions not stated): gnomAD exomes below 0.00001.
gnomAD v4.1: 4 of 1,614,170 alleles (0.00025%); highest among the groups gnomAD compares: Non-Finnish European, 0.00034%; no homozygotes.

Submission:

Labcorp Genetics (formerly Invitae), Labcorp
Classification: Uncertain significance. Last evaluated: 2021-10-10. Review status: criteria provided, single submitter. Criteria: Invitae Variant Classification Sherloc (09022015). Collection method: clinical testing. Allele origin: germline.
Comment: In summary, the available evidence is currently insufficient to determine the role of this variant in disease. Therefore, it has been classified as a Variant of Uncertain Significance. Algorithms developed to predict the effect of missense changes on protein structure and function (SIFT, PolyPhen-2, Align-GVGD) all suggest that this variant is likely to be tolerated. This variant has not been reported in the literature in individuals affected with CFH-related conditions. This variant is not present in population databases (ExAC no frequency). This sequence change replaces leucine with phenylalanine at codon 992 of the CFH protein (p.Leu992Phe). The leucine residue is weakly conserved and there is a small physicochemical difference between leucine and phenylalanine.